The following is an entry in ClinVar:

NM_001330700.2(TOP2B):c.3011C>T (p.Ala1004Val)

Gene: TOP2B (DNA topoisomerase II beta; minus strand). Cytogenetic location: 3p24.2.
Variant type: single nucleotide variant.
Coding change: c.3011C>T on transcript NM_001330700.2 (MANE Select); coding-DNA position 3011, C replaced by T.
Protein change: p.Ala1004Val; replaces alanine 1004 with valine.
Molecular consequence: missense variant.
Genome position (GRCh38, 1-based): chr3:25,619,914, G>A on the plus strand (C>T on the coding strand, the complement: TOP2B is on the minus strand). VCF-style: chr3-25619914-G-A. GRCh37 (hg19) VCF-style: chr3-25661405-G-A.
Other names: c.2996C>T, p.Ala999Val (NM_001068.3); short protein forms A999V, A1004V.
Identifiers: ClinVar variation 1955745 (VCV001955745.5), dbSNP rs2470326431, ClinGen allele CA351898294.

ClinVar aggregate classification (germline): Uncertain significance (1 of 4 stars; one submission).

Submission:

Labcorp Genetics (formerly Invitae), Labcorp
Classification: Uncertain significance. Last evaluated: 2022-03-06. Review status: criteria provided, single submitter. Criteria: Invitae Variant Classification Sherloc (09022015). Collection method: clinical testing. Allele origin: germline.
Comment: This variant has not been reported in the literature in individuals affected with TOP2B-related conditions. This sequence change replaces alanine, which is neutral and non-polar, with valine, which is neutral and non-polar, at codon 999 of the TOP2B protein (p.Ala999Val). This variant is not present in population databases (gnomAD no frequency). Algorithms developed to predict the effect of missense changes on protein structure and function (SIFT, PolyPhen-2, Align-GVGD) all suggest that this variant is likely to be tolerated. In summary, the available evidence is currently insufficient to determine the role of this variant in disease. Therefore, it has been classified as a Variant of Uncertain Significance.